The following is an entry in ClinVar:

NM_000048.4(ASL):c.758T>C (p.Leu253Pro)

Gene: ASL (argininosuccinate lyase; plus strand). Cytogenetic location: 7q11.21.
Variant type: single nucleotide variant.
Coding change: c.758T>C on transcript NM_000048.4 (MANE Select); coding-DNA position 758, T replaced by C.
Protein change: p.Leu253Pro; replaces leucine 253 with proline.
Molecular consequence: missense variant.
Genome position (GRCh38, 1-based): chr7:66,088,846, T>C. VCF-style: chr7-66088846-T-C. GRCh37 (hg19) VCF-style: chr7-65553833-T-C.
Other names: c.758T>C, p.Leu253Pro (NM_001024943.2, NM_001024944.2); c.680T>C, p.Leu227Pro (NM_001024946.2); short protein forms L227P, L253P.
Identifiers: ClinVar variation 1327309 (VCV001327309.2), dbSNP rs183018428, ClinGen allele CA367645174.

ClinVar aggregate classification (germline): Uncertain significance (1 of 4 stars; one submission).

gnomAD v4.1: 1 of 1,614,038 alleles (0.000062%); highest among the groups gnomAD compares: Non-Finnish European, 0.000085%; no homozygotes.

Submission:

GeneDx
Classification: Uncertain significance. Last evaluated: 2021-06-01. Review status: criteria provided, single submitter. Criteria: GeneDx Variant Classification Process June 2021. Collection method: clinical testing. Allele origin: germline. Affected: yes.
Comment: Not observed at significant frequency in large population cohorts (Lek et al., 2016); In silico analysis supports that this missense variant has a deleterious effect on protein structure/function; Has not been previously published as pathogenic or benign to our knowledge; This variant is associated with the following publications: (PMID: 27535533)